The following is an entry in ClinVar:

NM_003480.4(MFAP5):c.410-18G>A

Genes: MFAP5 (microfibril associated protein 5; minus strand), LOC126861443 (BRD4-independent group 4 enhancer GRCh37_chr12:8800473-8801672; plus strand). Cytogenetic location: 12p13.31.
Variant type: single nucleotide variant.
Coding change: c.410-18G>A on transcript NM_003480.4 (MANE Select); 18 bases into the intron before coding-DNA position 410, G replaced by A.
Molecular consequence: intron variant.
Genome position (GRCh38, 1-based): chr12:8,648,221, C>T on the plus strand (G>A on the coding strand, the complement: MFAP5 is on the minus strand). VCF-style: chr12-8648221-C-T. GRCh37 (hg19) VCF-style: chr12-8800817-C-T.
Other names: c.344-18G>A (NM_001297710.2); c.335-18G>A (NM_001297711.2); c.218-18G>A (NM_001297712.2); c.380-18G>A (NM_001297709.2).
Identifiers: ClinVar variation 392223 (VCV000392223.12), dbSNP rs151240610, ClinGen allele CA6434580.
Genomic context (GRCh38, chr12:8,648,221, plus strand): 5'-AGTCTCCTAGGGGGCAGACCAGCCATCTGACGGCAAAGCTCATCTAGAAGAGAAGCAGAA[C>T]ATCATGGGAAGAGAATGCAGAAGATAACAAAGGCTCTTGTTTTAAGGGATAGAGAAGACT-3'

ClinVar aggregate classification (germline): Benign/Likely benign. Review status: criteria provided, multiple submitters, no conflicts (2 of 4 stars). 5 submissions from 5 submitters: Benign (3); Likely benign (2). Last evaluated 2026-01-21.

Conditions:
Aortic aneurysm, familial thoracic 9 (AAT9). Identifiers: MedGen C4015368, MONDO:0014514, OMIM 616166.

Allele frequency attached by ClinVar (database versions not stated): 1000 Genomes Project 30x 0.00172; TOPMed 0.00172; gnomAD exomes 0.00012 and 0.00037; ExAC 0.00051; ESP Exome Variant Server 0.00138; 1000 Genomes Project 0.00140; gnomAD 0.00142 and 0.00155.
gnomAD v4.1: 396 of 1,580,628 alleles (0.025%); highest among the groups gnomAD compares: African/African-American, 0.49%; no homozygotes.

Submissions (5):

Labcorp Genetics (formerly Invitae), Labcorp
Classification: Benign. Last evaluated: 2026-01-21. Review status: criteria provided, single submitter. Criteria: Invitae Variant Classification Sherloc (09022015). Collection method: clinical testing. Allele origin: germline.

Women's Health and Genetics/Laboratory Corporation of America, LabCorp
Classification: Benign. Last evaluated: 2023-08-10. Review status: criteria provided, single submitter. Criteria: LabCorp Variant Classification Summary - May 2015. Collection method: clinical testing. Allele origin: germline.

ARUP Laboratories, Molecular Genetics and Genomics, ARUP Laboratories
Classification: Benign for Aortic aneurysm, familial thoracic 9. Last evaluated: 2023-04-04. Review status: criteria provided, single submitter. Criteria: ARUP Molecular Germline Variant Investigation Process 2024. Collection method: clinical testing. Allele origin: germline.

Fulgent Genetics
Classification: Likely benign for Aortic aneurysm, familial thoracic 9. Last evaluated: 2022-01-13. Review status: criteria provided, single submitter. Criteria: ACMG Guidelines, 2015. Collection method: clinical testing. Allele origin: unknown.

GeneDx
Classification: Likely benign. Last evaluated: 2017-07-24. Review status: criteria provided, single submitter. Criteria: GeneDx Variant Classification (06012015). Collection method: clinical testing. Allele origin: germline. Affected: yes.
Comment: This variant is considered likely benign or benign based on one or more of the following criteria: it is a conservative change, it occurs at a poorly conserved position in the protein, it is predicted to be benign by multiple in silico algorithms, and/or has population frequency not consistent with disease.